The following is an entry in ClinVar:

NM_005422.4(TECTA):c.2064G>T (p.Lys688Asn)

Genes: TBCEL-TECTA (TBCEL-TECTA readthrough; plus strand), TECTA (tectorin alpha; plus strand). Cytogenetic location: 11q23.3.
Variant type: single nucleotide variant.
Coding change: c.2064G>T on transcript NM_005422.4 (MANE Select); coding-DNA position 2064, G replaced by T.
Protein change: p.Lys688Asn; replaces lysine 688 with asparagine.
Molecular consequence: missense variant.
Genome position (GRCh38, 1-based): chr11:121,128,041, G>T. VCF-style: chr11-121128041-G-T. GRCh37 (hg19) VCF-style: chr11-120998750-G-T.
Other names: c.3021G>T, p.Lys1007Asn (NM_001378761.1); short protein forms K1007N, K688N.
Identifiers: ClinVar variation 3771875 (VCV003771875.13).

ClinVar aggregate classification (germline): Uncertain significance (1 of 4 stars; one submission).

gnomAD v4.1: 1 of 1,612,896 alleles (0.000062%); highest among the groups gnomAD compares: Non-Finnish European, 0.000085%; no homozygotes.

Submission:

CeGaT Center for Human Genetics Tuebingen
Classification: Uncertain significance. Last evaluated: 2025-01-01. Review status: criteria provided, single submitter. Criteria: CeGaT Center For Human Genetics Tuebingen Variant Classification Criteria Version 2. Collection method: clinical testing. Allele origin: germline. Affected: yes. Observed: 1 variant allele.
Comment: TECTA: PM2, BP4